The following is an entry in ClinVar:

NM_000153.4(GALC):c.723C>T (p.Ala241=)

Gene: GALC (galactosylceramidase; minus strand). Cytogenetic location: 14q31.3.
Variant type: single nucleotide variant.
Coding change: c.723C>T on transcript NM_000153.4 (MANE Select); coding-DNA position 723, C replaced by T.
Protein change: p.Ala241=; no amino-acid change (alanine 241 retained).
Molecular consequence: synonymous variant.
Genome position (GRCh38, 1-based): chr14:87,976,387, G>A on the plus strand (C>T on the coding strand, the complement: GALC is on the minus strand). VCF-style: chr14-87976387-G-A. GRCh37 (hg19) VCF-style: chr14-88442731-G-A.
Other names: c.723C>T (NM_000153.3); c.654C>T, p.Ala218= (NM_001201401.2); c.645C>T, p.Ala215= (NM_001201402.2).
Identifiers: ClinVar variation 1099706 (VCV001099706.11), dbSNP rs778552414, ClinGen allele CA7297268.
Genomic context (GRCh38, chr14:87,976,387, plus strand): 5'-CTGCTAGTTTTCCAAGTAAAACATGCCTTACCCTATAACATCAACCACCTTGAAGAGTTC[G>A]GCATCAAGGAGCATGGATGCAGAGATGGACTCCCAGAGATTATCACTTGCTATGATTTTC-3'
Protein context (NP_000144.2, residues 231-251): ESISASMLLD[Ala241=]ELFKVVDVIG

ClinVar aggregate classification (germline): Likely benign. Review status: criteria provided, single submitter (1 of 4 stars). 2 submissions from 2 submitters: Likely benign (1). 1 of the submissions does not count toward it. Last evaluated 2025-03-17.

Conditions:
GALC-related disorder. Also called: GALC-related condition.
Galactosylceramide beta-galactosidase deficiency. Also called: Leukodystrophy, Globoid Cell; GALACTOCEREBROSIDASE DEFICIENCY; GALC DEFICIENCY; GLOBOID CELL LEUKOENCEPHALOPATHY; Krabbe Disease. Identifiers: Orphanet 487, MedGen C0023521, MONDO:0009499, OMIM 245200.

Allele frequency attached by ClinVar (database versions not stated): gnomAD exomes 0.00002; ExAC 0.00003; gnomAD 0.00003.
gnomAD v4.1: 20 of 1,613,722 alleles (0.0012%); highest among the groups gnomAD compares: Middle Eastern, 0.016%; no homozygotes.

Submissions (2):

Labcorp Genetics (formerly Invitae), Labcorp
Classification: Likely benign for Galactosylceramide beta-galactosidase deficiency. Last evaluated: 2025-03-17. Review status: criteria provided, single submitter. Criteria: Invitae Variant Classification Sherloc (09022015). Collection method: clinical testing. Allele origin: germline.

PreventionGenetics, part of Exact Sciences
Classification: Likely benign for GALC-related condition. Last evaluated: 2021-07-02. Review status: no assertion criteria provided. Collection method: clinical testing. Allele origin: germline. Not counted in ClinVar's aggregate classification.
Comment: This variant is classified as likely benign based on ACMG/AMP sequence variant interpretation guidelines (Richards et al. 2015 PMID: 25741868, with internal and published modifications).